The following is an entry in ClinVar:

NM_006922.4(SCN3A):c.5701G>A (p.Glu1901Lys)

Gene: SCN3A (sodium voltage-gated channel alpha subunit 3; minus strand). Cytogenetic location: 2q24.3.
Variant type: single nucleotide variant.
Coding change: c.5701G>A on transcript NM_006922.4 (MANE Select); coding-DNA position 5701, G replaced by A.
Protein change: p.Glu1901Lys; replaces glutamic acid 1901 with lysine.
Molecular consequence: missense variant.
Genome position (GRCh38, 1-based): chr2:165,090,452, C>T on the plus strand (G>A on the coding strand, the complement: SCN3A is on the minus strand). VCF-style: chr2-165090452-C-T. GRCh37 (hg19) VCF-style: chr2-165946962-C-T.
Other names: c.5554G>A, p.Glu1852Lys (NM_001081676.2, NM_001081677.2); c.5701G>A (NM_006922.3); short protein forms E1852K, E1901K.
Identifiers: ClinVar variation 2026928 (VCV002026928.7), dbSNP rs1553517069, ClinGen allele CA349010121.
Genomic context (GRCh38, chr2:165,090,452, plus strand): 5'-TTAACCTTTGCTTTAAAAGATAACATCTGAAATTACGCTGAATGATAGCGGCAGACACCT[C>T]CTCTTGTTTACGTTTCAAAGTGGTTGTAATAGGCTCATAAGAGACTTTGGAGGGGTTTGA-3'
Protein context (NP_008853.3, residues 1891-1911): ITTTLKRKQE[Glu1901Lys]VSAAIIQRNF

ClinVar aggregate classification (germline): Uncertain significance. Review status: criteria provided, multiple submitters, no conflicts (2 of 4 stars). 3 submissions from 3 submitters: Uncertain significance (3). Last evaluated 2026-05-06.

Conditions:
SCN3A-related disorder. Also called: SCN3A-related condition.

Allele frequency attached by ClinVar (database versions not stated): gnomAD exomes below 0.00001.
gnomAD v4.1: 1 of 1,614,002 alleles (0.000062%); highest among the groups gnomAD compares: Non-Finnish European, 0.000085%; no homozygotes.

Submissions (3):

PreventionGenetics, part of Exact Sciences
Classification: Uncertain significance for SCN3A-related condition. Last evaluated: 2026-05-06. Review status: criteria provided, single submitter. Criteria: ACMG Guidelines, 2015. Collection method: clinical testing. Allele origin: germline.
Comment: The SCN3A c.5701G>A variant is predicted to result in the amino acid substitution p.Glu1901Lys. To our knowledge, this variant has not been reported in individuals with SC3NA-associated disease in the literature or in a large population database (gnomAD), indicating this variant is rare. At this time, the clinical significance of this variant is uncertain due to the absence of conclusive functional and genetic evidence.

Dasa
Classification: Uncertain significance. Last evaluated: 2025-09-15. Review status: criteria provided, single submitter. Criteria: DASA Assertion Criteria. Collection method: clinical testing. Allele origin: germline.
Comment: NM_006922.4(SCN3A):c.5701G>A (p.Glu1901Lys) is a missense variant that results in the substitution of glutamic acid with lysine. This variant is rare in population databases. Computational prediction algorithms are consistent with a deleterious effect. The currently available literature and clinical evidence are not sufficient to establish a definitive association between this variant and the reported condition. Therefore, this variant is classified as a variant of uncertain significance.

Labcorp Genetics (formerly Invitae), Labcorp
Classification: Uncertain significance. Last evaluated: 2023-08-16. Review status: criteria provided, single submitter. Criteria: Invitae Variant Classification Sherloc (09022015). Collection method: clinical testing. Allele origin: germline.
Comment: This sequence change replaces glutamic acid, which is acidic and polar, with lysine, which is basic and polar, at codon 1901 of the SCN3A protein (p.Glu1901Lys). This variant is not present in population databases (gnomAD no frequency). This variant has not been reported in the literature in individuals affected with SCN3A-related conditions. ClinVar contains an entry for this variant (Variation ID: 2026928). Advanced modeling of protein sequence and biophysical properties (such as structural, functional, and spatial information, amino acid conservation, physicochemical variation, residue mobility, and thermodynamic stability) has been performed at Invitae for this missense variant, however the output from this modeling did not meet the statistical confidence thresholds required to predict the impact of this variant on SCN3A protein function. In summary, the available evidence is currently insufficient to determine the role of this variant in disease. Therefore, it has been classified as a Variant of Uncertain Significance.